The following is an entry in ClinVar:

ClinVar aggregate classification (germline): Likely benign (1 of 4 stars; one submission).

Allele frequency attached by ClinVar (database versions not stated): gnomAD exomes 0.00005; gnomAD 0.00006; ExAC 0.00033; 1000 Genomes Project 30x 0.00078; 1000 Genomes Project 0.00080.
gnomAD v4.1: 84 of 1,551,322 alleles (0.0054%); highest among the groups gnomAD compares: South Asian, 0.095%; no homozygotes.

Submission:

CeGaT Center for Human Genetics Tuebingen
Classification: Likely benign. Last evaluated: 2022-06-01. Review status: criteria provided, single submitter. Criteria: CeGaT Center For Human Genetics Tuebingen Variant Classification Criteria Version 2. Collection method: clinical testing. Allele origin: germline. Affected: yes. Observed: 1 variant allele.
Comment: PIGQ: BP4, BP7

NM_004204.5(PIGQ):c.821+58A>G

Gene: PIGQ (phosphatidylinositol glycan anchor biosynthesis class Q; plus strand). Cytogenetic location: 16p13.3.
Variant type: single nucleotide variant.
Coding change: c.821+58A>G on transcript NM_004204.5 (MANE Select); 58 bases into the intron after coding-DNA position 821, A replaced by G.
Molecular consequence: intron variant.
Genome position (GRCh38, 1-based): chr16:576,028, A>G. VCF-style: chr16-576028-A-G. GRCh37 (hg19) VCF-style: chr16-626028-A-G.
Other names: c.821+58A>G (NM_148920.4).
Identifiers: ClinVar variation 2645826 (VCV002645826.24), dbSNP rs528942784, ClinGen allele CA7779989.